The following is an entry in ClinVar:

ClinVar aggregate classification (germline): Uncertain significance (1 of 4 stars; one submission).

Conditions:
Duchenne muscular dystrophy (DMD). Also called: MUSCULAR DYSTROPHY, PSEUDOHYPERTROPHIC PROGRESSIVE, DUCHENNE TYPE; Duchenne Muscular Dystrophy (DMD). Identifiers: Orphanet 98896, MedGen C0013264, MONDO:0010679, OMIM 310200.

Submission:

Labcorp Genetics (formerly Invitae), Labcorp
Classification: Uncertain significance for Duchenne muscular dystrophy. Last evaluated: 2024-10-21. Review status: criteria provided, single submitter. Criteria: Invitae Variant Classification Sherloc (09022015). Collection method: clinical testing. Allele origin: germline.
Comment: This sequence change replaces isoleucine, which is neutral and non-polar, with threonine, which is neutral and polar, at codon 3322 of the DMD protein (p.Ile3322Thr). This variant is not present in population databases (gnomAD no frequency). This variant has not been reported in the literature in individuals affected with DMD-related conditions. Invitae Evidence Modeling of protein sequence and biophysical properties (such as structural, functional, and spatial information, amino acid conservation, physicochemical variation, residue mobility, and thermodynamic stability) indicates that this missense variant is not expected to disrupt DMD protein function with a negative predictive value of 95%. In summary, the available evidence is currently insufficient to determine the role of this variant in disease. Therefore, it has been classified as a Variant of Uncertain Significance.

NM_004006.3(DMD):c.9965T>C (p.Ile3322Thr)

Gene: DMD (dystrophin; minus strand). Cytogenetic location: Xp21.2.
Variant type: single nucleotide variant.
Coding change: c.9965T>C on transcript NM_004006.3 (MANE Select); coding-DNA position 9965, T replaced by C.
Protein change: p.Ile3322Thr; replaces isoleucine 3322 with threonine.
Molecular consequence: missense variant.
Genome position (GRCh38, 1-based): chrX:31,182,747, A>G on the plus strand (T>C on the coding strand, the complement: DMD is on the minus strand). VCF-style: chrX-31182747-A-G. GRCh37 (hg19) VCF-style: chrX-31200864-A-G.
Other names: c.9941T>C, p.Ile3314Thr (NM_000109.4); c.9953T>C, p.Ile3318Thr (NM_004009.3); c.9596T>C, p.Ile3199Thr (NM_004010.3); c.5942T>C, p.Ile1981Thr (NM_004011.4); c.5933T>C, p.Ile1978Thr (NM_004012.4); c.2585T>C, p.Ile862Thr (NM_004013.3, NM_004020.4, NM_004021.3 and 2 more transcripts); c.1778T>C, p.Ile593Thr (NM_004014.3); c.761T>C, p.Ile254Thr (NM_004015.3, NM_004016.3, NM_004017.3 and 2 more transcripts); short protein forms I1978T, I3314T, I3318T, I593T, I1981T, I254T, I3199T, I3322T.
Identifiers: ClinVar variation 3634790 (VCV003634790.2).